The following is an entry in ClinVar:

ClinVar aggregate classification (germline): Uncertain significance (1 of 4 stars; one submission).

Submission:

Labcorp Genetics (formerly Invitae), Labcorp
Classification: Uncertain significance. Last evaluated: 2025-06-20. Review status: criteria provided, single submitter. Criteria: Invitae Variant Classification Sherloc (09022015). Collection method: clinical testing. Allele origin: germline.
Comment: This variant, c.45_47del, results in the deletion of 1 amino acid(s) of the EXOSC8 protein (p.Arg16del), but otherwise preserves the integrity of the reading frame. This variant is present in population databases (rs771058109, gnomAD 0.008%). This variant has not been reported in the literature in individuals affected with EXOSC8-related conditions. ClinVar contains an entry for this variant (Variation ID: 2171435). Experimental studies and prediction algorithms are not available or were not evaluated, and the functional significance of this variant is currently unknown. In summary, the available evidence is currently insufficient to determine the role of this variant in disease. Therefore, it has been classified as a Variant of Uncertain Significance.

NM_181503.3(EXOSC8):c.45_47del (p.Arg16del)

Gene: EXOSC8 (exosome component 8; plus strand). Cytogenetic location: 13q13.3.
Variant type: Deletion.
Coding change: c.45_47del on transcript NM_181503.3 (MANE Select); coding-DNA positions 45 to 47, 3 bases deleted (GAG; older notation c.45_47delGAG).
Protein change: p.Arg16del; deletes arginine 16.
Molecular consequence: inframe deletion.
Genome position (GRCh38, 1-based): chr13:37,002,300-37,002,302, GAG deleted; deleting any 3 consecutive bases within chr13:37,002,298-37,002,302 gives the same sequence; the c. name uses the placement nearest the transcript's 3' end. VCF-style (leftmost placement, unchanged base first): chr13-37002297-CAGG-C. GRCh37 (hg19) VCF-style: chr13-37576434-CAGG-C.
Other names: short protein forms R16del.
Identifiers: ClinVar variation 2171435 (VCV002171435.4), dbSNP rs771058109, ClinGen allele CA6951064.